The following is an entry in ClinVar:

NM_138576.4(BCL11B):c.658_706del (p.Ser220fs)

Gene: BCL11B (BCL11 transcription factor B; minus strand). Cytogenetic location: 14q32.2.
Variant type: Deletion.
Coding change: c.658_706del on transcript NM_138576.4 (MANE Select); coding-DNA positions 658 to 706, 49 bases deleted.
Protein change: p.Ser220fs; shifts the reading frame from serine 220.
Molecular consequence: frameshift variant.
Genome position (GRCh38, 1-based): chr14:99,176,130-99,176,178, 49 bases deleted; deleting any 49 consecutive bases within chr14:99,176,130-99,176,182 gives the same sequence; the c. name uses the placement nearest the transcript's 3' end. GRCh37 (hg19): chr14:99,642,471-99,642,519.
Other names: c.655_703del, p.Ser219fs (NM_001282237.2); c.442_490del, p.Ser148fs (NM_001282238.2); c.445_493del, p.Ser149fs (NM_022898.3); short protein forms S148fs, S149fs, S219fs, S220fs.
Identifiers: ClinVar variation 4531491 (VCV004531491.1).
Genomic context (GRCh38, chr14:99,176,129, plus strand): 5'-CTGGCCGGCCCGGGCTCCAGGTAGATGCGGAAGCCGTGCGTGTTCTGCGCGTGCTGCAGC[AGGAACCACGCGCTGTTGAAGGGCTGCTTGCATGTTGTGCAAATGTAGCT>A]GGAAGGCTCATCTTTACCTGGGGAAACACACGGACAGAAAGGCAGAGACAGCGTGAGAAG-3'

ClinVar aggregate classification (germline): Pathogenic (1 of 4 stars; one submission).

Conditions:
Intellectual developmental disorder with speech delay, dysmorphic facies, and t-cell abnormalities. Also called: BCL11B-related BAFopathy. Identifiers: Orphanet 662829, MedGen C4748152, MONDO:0060763, OMIM 618092.

Submission:

Victorian Clinical Genetics Services, Murdoch Childrens Research Institute
Classification: Pathogenic for Intellectual developmental disorder with speech delay, dysmorphic facies, and t-cell abnormalities. Last evaluated: 2024-12-27. Review status: criteria provided, single submitter. Criteria: ACMG Guidelines, 2015. Collection method: clinical testing. Allele origin: germline. Affected: yes.
Comment: This variant is classified as Pathogenic. Evidence in support of pathogenic classification: Variant is predicted to result in a truncated protein (premature termination codon is NOT located at least 54 nucleotides upstream of the final exon-exon junction) with at least 1/3 of the protein sequence affected; Variant is absent from gnomAD (v2, v3 and v4); Other protein truncating variant(s) comparable to the one identified in this case have very strong previous evidence for pathogenicity (DECIPHER); Additional information: This variant is heterozygous; This gene is associated with autosomal dominant disease; Loss of function is a known mechanism of disease in this gene and is associated with intellectual developmental disorder with dysmorphic facies, speech delay, and T-cell abnormalities (MIM#618092). Dominant negative has also been suggested as a mechanism of disease for missense variants (PMIDs:27959755, 29985992).

Literature cited by the submitters: PubMed 29985992; PubMed 27959755.